The following is an entry in ClinVar:

ClinVar aggregate classification (germline): Conflicting classifications of pathogenicity. Review status: criteria provided, conflicting classifications (1 of 4 stars). 6 submissions from 6 submitters: Uncertain significance (5); Likely benign (1). Last evaluated 2026-04-09.

Conditions:
Classic or attenuated familial adenomatous polyposis. Identifiers: MedGen CN372698, MONDO:0021057.
Hereditary cancer-predisposing syndrome. Also called: Neoplastic Syndromes, Hereditary; Hereditary Cancer Syndrome; Tumor predisposition; Hereditary neoplastic syndrome. Identifiers: Orphanet 140162, MedGen C0027672, MeSH D009386, MONDO:0015356.
Familial adenomatous polyposis 1 (FAP1). Also called: FAMILIAL ADENOMATOUS POLYPOSIS 1, ATTENUATED; POLYPOSIS, ADENOMATOUS INTESTINAL. Identifiers: MedGen C2713442, MONDO:0021056, OMIM 175100. Disease mechanism: loss of function.

Allele frequency attached by ClinVar (database versions not stated): gnomAD exomes below 0.00001.
gnomAD v4.1: 6 of 1,614,110 alleles (0.00037%); highest among the groups gnomAD compares: Non-Finnish European, 0.00051%; no homozygotes.

Submissions (6):

Ambry Genetics
Classification: Likely benign for Hereditary cancer-predisposing syndrome. Last evaluated: 2026-04-09. Review status: criteria provided, single submitter. Criteria: Ambry Variant Classification Scheme 2023. Collection method: clinical testing. Allele origin: germline.

Color Diagnostics, LLC DBA Color Health
Classification: Uncertain significance for Hereditary cancer-predisposing syndrome. Last evaluated: 2025-07-14. Review status: criteria provided, single submitter. Criteria: ACMG Guidelines, 2015. Collection method: clinical testing. Allele origin: germline.
Comment: This missense variant replaces tyrosine with histidine at codon 1135 of the APC protein. Computational prediction suggests that this variant may not impact protein structure and function. To our knowledge, functional studies have not been reported for this variant. This variant has not been reported in individuals affected with APC-related disorders in the literature. This variant has been identified in 1/250816 chromosomes in the general population by the Genome Aggregation Database (gnomAD). The available evidence is insufficient to determine the role of this variant in disease conclusively. Therefore, this variant is classified as a Variant of Uncertain Significance.

Labcorp Genetics (formerly Invitae), Labcorp
Classification: Uncertain significance for Familial adenomatous polyposis 1. Last evaluated: 2024-11-22. Review status: criteria provided, single submitter. Criteria: Invitae Variant Classification Sherloc (09022015). Collection method: clinical testing. Allele origin: germline.
Comment: This sequence change replaces tyrosine, which is neutral and polar, with histidine, which is basic and polar, at codon 1135 of the APC protein (p.Tyr1135His). This variant is present in population databases (no rsID available, gnomAD 0.0009%). This variant has not been reported in the literature in individuals affected with APC-related conditions. ClinVar contains an entry for this variant (Variation ID: 233582). Invitae Evidence Modeling of protein sequence and biophysical properties (such as structural, functional, and spatial information, amino acid conservation, physicochemical variation, residue mobility, and thermodynamic stability) indicates that this missense variant is not expected to disrupt APC protein function with a negative predictive value of 95%. In summary, the available evidence is currently insufficient to determine the role of this variant in disease. Therefore, it has been classified as a Variant of Uncertain Significance.

Baylor Genetics
Classification: Uncertain significance for Familial adenomatous polyposis 1. Last evaluated: 2024-01-17. Review status: criteria provided, single submitter. Criteria: ACMG Guidelines, 2015. Collection method: clinical testing. Allele origin: unknown.

All of Us Research Program, National Institutes of Health
Classification: Uncertain significance for Classic or attenuated familial adenomatous polyposis. Last evaluated: 2023-08-08. Review status: criteria provided, single submitter. Criteria: ACMG Guidelines, 2015. Collection method: clinical testing. Allele origin: germline. Inheritance: Autosomal dominant inheritance. Observed: 2 variant alleles, 2 heterozygotes.
Comment: This missense variant replaces tyrosine with histidine at codon 1135 of the APC protein. Computational prediction suggests that this variant may not impact protein structure and function (internally defined REVEL score threshold <= 0.5, PMID: 27666373). To our knowledge, functional studies have not been reported for this variant. This variant has not been reported in individuals affected with APC-related disorders in the literature. This variant has been identified in 1/250816 chromosomes in the general population by the Genome Aggregation Database (gnomAD). The available evidence is insufficient to determine the role of this variant in disease conclusively. Therefore, this variant is classified as a Variant of Uncertain Significance.

This study involves interpretation of variants in research participants for the purpose of population health screening. Participant phenotype was not available at the time of variant classification. Additional details can be found in publication PMID: 35346344, PMCID: PMC8962531

Blueprint Genetics
Classification: Uncertain significance. Last evaluated: 2022-03-21. Review status: criteria provided, single submitter. Criteria: ACMG Guidelines, 2015. Collection method: clinical testing. Allele origin: germline.

NM_000038.6(APC):c.3403T>C (p.Tyr1135His)

Gene: APC (APC regulator of Wnt signaling pathway; plus strand). Cytogenetic location: 5q22.2.
Variant type: single nucleotide variant.
Coding change: c.3403T>C on transcript NM_000038.6 (MANE Select); coding-DNA position 3403, T replaced by C.
Protein change: p.Tyr1135His; replaces tyrosine 1135 with histidine.
Molecular consequence: missense variant.
Genome position (GRCh38, 1-based): chr5:112,838,997, T>C. VCF-style: chr5-112838997-T-C. GRCh37 (hg19) VCF-style: chr5-112174694-T-C.
Other names: c.3403T>C, p.Tyr1135His (NM_001127510.3, NM_001354895.2); c.3349T>C, p.Tyr1117His (NM_001127511.3); c.3457T>C, p.Tyr1153His (NM_001354896.2); c.3433T>C, p.Tyr1145His (NM_001354897.2); c.3328T>C, p.Tyr1110His (NM_001354898.2); c.3319T>C, p.Tyr1107His (NM_001354899.2); c.3280T>C, p.Tyr1094His (NM_001354900.2); c.3226T>C, p.Tyr1076His (NM_001354901.2); and 5 more; short protein forms Y1117H, Y1135H, Y1076H, Y1009H, Y1094H, Y1110H, Y1145H, Y1034H.
Identifiers: ClinVar variation 233582 (VCV000233582.23), dbSNP rs876660502, ClinGen allele CA10578353.